The following is an entry in ClinVar:

NM_004364.5(CEBPA):c.849C>G (p.Asn283Lys)

Gene: CEBPA (CCAAT enhancer binding protein alpha; minus strand). Cytogenetic location: 19q13.11.
Variant type: single nucleotide variant.
Coding change: c.849C>G on transcript NM_004364.5 (MANE Select); coding-DNA position 849, C replaced by G.
Protein change: p.Asn283Lys; replaces asparagine 283 with lysine.
Molecular consequence: missense variant.
Genome position (GRCh38, 1-based): chr19:33,301,566, G>C on the plus strand (C>G on the coding strand, the complement: CEBPA is on the minus strand). VCF-style: chr19-33301566-G-C. GRCh37 (hg19) VCF-style: chr19-33792472-G-C.
Other names: c.492C>G, p.Asn164Lys (NM_001285829.2); c.954C>G, p.Asn318Lys (NM_001287424.2); c.807C>G, p.Asn269Lys (NM_001287435.2); short protein forms N318K, N164K, N269K, N283K.
Identifiers: ClinVar variation 2995612 (VCV002995612.4), dbSNP rs2145259733, ClinGen allele CA405274079.
Genomic context (GRCh38, chr19:33,301,566, plus strand): 5'-GGCCTTGTCGCGGCTCTTGCGCACCGCGATGTTGTTGCGCTCGCGCCGCACCCGGTACTC[G>C]TTGCTGTTCTTGTCCACCGACTTCTTGGCCTTGCCCGCGCCGCTGCCGCCACTCGCGCGG-3'
Protein context (NP_004355.2, residues 273-293): KAKKSVDKNS[Asn283Lys]EYRVRRERNN

ClinVar aggregate classification (germline): Uncertain significance. Review status: criteria provided, multiple submitters, no conflicts (2 of 4 stars). 2 submissions from 2 submitters: Uncertain significance (2). Last evaluated 2025-10-29.

Conditions:
Acute myeloid leukemia (AML). Also called: Acute myeloid leukemia, adult; AML adult; Acute non-lymphocytic leukemia; Acute granulocytic leukemia; Leukemia, acute myeloid, somatic; Leukemia, acute myelogenous, somatic. Identifiers: Orphanet 519, MedGen C0023467, MeSH D015470, MONDO:0018874, OMIM 601626, HP:0004808. Disease mechanism: Constitutively activated FLT3.
Inborn genetic diseases. Identifiers: MedGen C0950123, MeSH D030342.

Submissions (2):

Ambry Genetics
Classification: Uncertain significance for Inborn genetic diseases. Last evaluated: 2025-10-29. Review status: criteria provided, single submitter. Criteria: Ambry Variant Classification Scheme 2023. Collection method: clinical testing. Allele origin: germline.
Comment: The p.N283K variant (also known as c.849C>G), located in coding exon 1 of the CEBPA gene, results from a C to G substitution at nucleotide position 849. The asparagine at codon 283 is replaced by lysine, an amino acid with similar properties. This amino acid position is conserved. In addition, this alteration is predicted to be tolerated by in silico analysis. Based on the available evidence, the clinical significance of this variant remains unclear.

Labcorp Genetics (formerly Invitae), Labcorp
Classification: Uncertain significance for Acute myeloid leukemia. Last evaluated: 2023-01-28. Review status: criteria provided, single submitter. Criteria: Invitae Variant Classification Sherloc (09022015). Collection method: clinical testing. Allele origin: germline.
Comment: In summary, the available evidence is currently insufficient to determine the role of this variant in disease. Therefore, it has been classified as a Variant of Uncertain Significance. Advanced modeling of protein sequence and biophysical properties (such as structural, functional, and spatial information, amino acid conservation, physicochemical variation, residue mobility, and thermodynamic stability) performed at Invitae indicates that this missense variant is not expected to disrupt CEBPA protein function. This variant has not been reported in the literature in individuals affected with CEBPA-related conditions. This variant is not present in population databases (gnomAD no frequency). This sequence change replaces asparagine, which is neutral and polar, with lysine, which is basic and polar, at codon 283 of the CEBPA protein (p.Asn283Lys).